The following is an entry in ClinVar:

NM_001378615.1(CC2D2A):c.10A>G (p.Arg4Gly)

Genes: CC2D2A (coiled-coil and C2 domain containing 2A; plus strand), FBXL5 (F-box and leucine rich repeat protein 5; minus strand). Cytogenetic location: 4p15.32.
Variant type: single nucleotide variant.
Coding change: c.10A>G on transcript NM_001378615.1 (MANE Select); coding-DNA position 10, A replaced by G.
Protein change: p.Arg4Gly; replaces arginine 4 with glycine.
Molecular consequence: missense variant.
Genome position (GRCh38, 1-based): chr4:15,475,942, A>G. VCF-style: chr4-15475942-A-G. GRCh37 (hg19) VCF-style: chr4-15477566-A-G.
Other names: c.10A>G, p.Arg4Gly (NM_001164720.3, NM_020785.2, NM_001080522.2); short protein forms R4G.
Identifiers: ClinVar variation 347752 (VCV000347752.10), dbSNP rs758963962, ClinGen allele CA10620324.
Genomic context (GRCh38, chr4:15,475,942, plus strand): 5'-AAAATGCCTGACTTCTTCATTGTTCTTTGTCAGGGACCCATCCCAGCCAAAATGAATCCC[A>G]GGGAAGAAAAAGTAAAAATAATTACAGAGGTAAGTGGCCACTTTGATGTCCTCTAGGGAT-3'
Protein context (NP_001365544.1, residues 1-14): MNP[Arg4Gly]EEKVKIITEE

ClinVar aggregate classification (germline): Uncertain significance. Review status: criteria provided, multiple submitters, no conflicts (2 of 4 stars). 3 submissions from 2 submitters: Uncertain significance (3). Last evaluated 2022-10-13.

Conditions:
Meckel-Gruber syndrome. Also called: Dysencephalia splachnocystica; DYSENCEPHALIA SPLANCHNOCYSTICA; GRUBER SYNDROME. Identifiers: Orphanet 564, MedGen C0265215, MONDO:0018921.
Joubert syndrome. Also called: JOUBERT-BOLTSHAUSER SYNDROME; Familial aplasia of the vermis. Identifiers: Orphanet 475, MedGen C5979921, MONDO:0018772.
Meckel syndrome, type 6. Identifiers: Orphanet 564, MedGen C2676790, MONDO:0012848, OMIM 612284.
Joubert syndrome 9 (JBTS9). Identifiers: Orphanet 2318, MedGen C2676788, MONDO:0012849, OMIM 612285.

Allele frequency attached by ClinVar (database versions not stated): TOPMed 0.00003; gnomAD exomes 0.00004 and 0.00001; gnomAD 0.00003.
gnomAD v4.1: 55 of 1,589,136 alleles (0.0035%); highest among the groups gnomAD compares: Non-Finnish European, 0.0047%; no homozygotes.

Submissions (3):

Labcorp Genetics (formerly Invitae), Labcorp
Classification: Uncertain significance for Joubert syndrome; Meckel-Gruber syndrome. Last evaluated: 2022-10-13. Review status: criteria provided, single submitter. Criteria: Invitae Variant Classification Sherloc (09022015). Collection method: clinical testing. Allele origin: germline.
Comment: This sequence change replaces arginine, which is basic and polar, with glycine, which is neutral and non-polar, at codon 4 of the CC2D2A protein (p.Arg4Gly). The frequency data for this variant in the population databases is considered unreliable, as metrics indicate poor data quality at this position in the gnomAD database. This variant has not been reported in the literature in individuals affected with CC2D2A-related conditions. ClinVar contains an entry for this variant (Variation ID: 347752). Advanced modeling of protein sequence and biophysical properties (such as structural, functional, and spatial information, amino acid conservation, physicochemical variation, residue mobility, and thermodynamic stability) performed at Invitae indicates that this missense variant is not expected to disrupt CC2D2A protein function. In summary, the available evidence is currently insufficient to determine the role of this variant in disease. Therefore, it has been classified as a Variant of Uncertain Significance.

Illumina Laboratory Services, Illumina
Classification: Uncertain significance for Meckel syndrome, type 6. Last evaluated: 2018-01-13. Review status: criteria provided, single submitter. Criteria: ICSL Variant Classification Criteria 13 December 2019. Collection method: clinical testing. Allele origin: germline.

Illumina Laboratory Services, Illumina
Classification: Uncertain significance for Joubert syndrome 9. Last evaluated: 2018-01-13. Review status: criteria provided, single submitter. Criteria: ICSL Variant Classification Criteria 13 December 2019. Collection method: clinical testing. Allele origin: germline.